The following is an entry in ClinVar:

NM_007294.4(BRCA1):c.1127del (p.Asn376fs)

Gene: BRCA1 (BRCA1 DNA repair associated; minus strand). Cytogenetic location: 17q21.31.
Variant type: Deletion.
Coding change: c.1127del on transcript NM_007294.4 (MANE Select); coding-DNA position 1127, one base deleted (A; older notation c.1127delA).
Protein change: p.Asn376fs; shifts the reading frame from asparagine 376.
Molecular consequence: frameshift variant. On other transcripts: intron variant (137).
Genome position (GRCh38, 1-based): chr17:43,094,404, T deleted on the plus strand (A on the coding strand, the reverse complement: BRCA1 is on the minus strand); the first of 3 consecutive T bases (chr17:43,094,404-43,094,406); deleting any one gives the same sequence. VCF-style (leftmost placement, unchanged base first): chr17-43094403-AT-A. GRCh37 (hg19) VCF-style: chr17-41246420-AT-A.
Other names: 1246delA; c.1127delA (NM_007294.4, NM_007294.3); c.983del, p.Asn328fs (NM_001407745.1, NM_001407746.1, NM_001407747.1 and 20 more transcripts); c.986del, p.Asn329fs (NM_001407750.1, NM_001407751.1, NM_001407752.1 and 29 more transcripts); c.914del, p.Asn305fs (NM_001407853.1, NM_001407894.1, NM_001407895.1 and 9 more transcripts); c.1127del, p.Asn376fs (NM_001407854.1, NM_001407858.1, NM_001407859.1 and 30 more transcripts); c.1124del, p.Asn375fs (NM_001407860.1, NM_001407861.1, NM_001407587.1 and 22 more transcripts); c.926del, p.Asn309fs (NM_001407862.1); and 42 more; short protein forms N329fs, N376fs, N208fs, N287fs, N305fs, N328fs, N349fs, N249fs.
Identifiers: ClinVar variation 54140 (VCV000054140.35), dbSNP rs80357821, ClinGen allele CA000754.

ClinVar aggregate classification (germline): Pathogenic. Review status: reviewed by expert panel (3 of 4 stars). 16 submissions from 16 submitters: Pathogenic (1). 15 of the submissions do not count toward it. Last evaluated 2016-09-08.

Conditions:
Hereditary cancer-predisposing syndrome. Also called: Tumor predisposition; Neoplastic Syndromes, Hereditary; Hereditary Cancer Syndrome; Hereditary neoplastic syndrome. Identifiers: Orphanet 140162, MedGen C0027672, MeSH D009386, MONDO:0015356.
Breast and/or ovarian cancer. Identifiers: MedGen CN221562.
Ovarian neoplasm. Also called: Ovarian tumor; Neoplasm of ovary; Ovarian Neoplasms. Identifiers: MedGen C0919267, MeSH D010051, MONDO:0021068, HP:0100615.
Hereditary breast ovarian cancer syndrome. Also called: Hereditary breast and ovarian cancer syndrome (HBOC); Hereditary breast and ovarian cancer syndrome; Hereditary breast and ovarian cancer; Hereditary breast and/or ovarian cancer syndrome; Breast and ovarian cancer; BRCA1- and BRCA2-Associated Hereditary Breast and Ovarian Cancer. Identifiers: Orphanet 145, MedGen C0677776, MeSH D061325, MONDO:0003582. Disease mechanism: loss of function.
Breast-ovarian cancer, familial, susceptibility to, 1 (BROVCA1). Also called: OVARIAN CANCER, SUSCEPTIBILITY TO; BRCA1 Hereditary Breast and Ovarian Cancer. Identifiers: Orphanet 145, MedGen C2676676, MONDO:0011450, OMIM 604370. Disease mechanism: loss of function.

Submissions (16):

Evidence-based Network for the Interpretation of Germline Mutant Alleles (ENIGMA)
Classification: Pathogenic for Breast-ovarian cancer, familial, susceptibility to, 1. Last evaluated: 2016-09-08. Review status: reviewed by expert panel. Criteria: ENIGMA BRCA1/2 Classification Criteria (2015). Collection method: curation. Allele origin: germline.
Comment: Variant allele predicted to encode a truncated non-functional protein.

Variantyx, Inc.
Classification: Pathogenic for Breast-ovarian cancer, familial, susceptibility to, 1. Last evaluated: 2025-12-25. Review status: criteria provided, single submitter. Criteria: Variantyx Assertion Criteria 2022. Collection method: clinical testing. Allele origin: germline. Inheritance: Autosomal dominant inheritance. Not counted in ClinVar's aggregate classification.
Comment: This is a frameshift variant in the BRCA1 gene (OMIM: 113705). Pathogenic variants in this gene have been associated with autosomal dominant susceptibility to familial breast-ovarian cancer 1. This variant introduces a premature termination codon in exon 10 out of 23 and is expected to result in loss of function, which is a known disease mechanism for BRCA1 (PMID:11157798;20104584) (PVS1). It has been reported in the heterozygous state in many unrelated individuals with a history of breast and/or ovarian cancer (PMID:10502781, 16168118, 28888541, 29053726, 30257646, 34101484, 31528241).This variant has a 0.0001% maximum allele frequency in non-founder control populations (PM2). Based on the curewnt evidence, this variant is classified as pathogenic for autosomal dominant susceptibility to familial breast-ovarian cancer 1.

Labcorp Genetics (formerly Invitae), Labcorp
Classification: Pathogenic for Hereditary breast ovarian cancer syndrome. Last evaluated: 2025-11-25. Review status: criteria provided, single submitter. Criteria: Invitae Variant Classification Sherloc (09022015). Collection method: clinical testing. Allele origin: germline. Not counted in ClinVar's aggregate classification.
Comment: This sequence change creates a premature translational stop signal (p.Asn376Ilefs*18) in the BRCA1 gene. It is expected to result in an absent or disrupted protein product. Loss-of-function variants in BRCA1 are known to be pathogenic (PMID: 20104584). This variant is not present in population databases (gnomAD no frequency). This premature translational stop signal has been observed in individual(s) with breast and ovarian cancer (PMID: 12181777, 16168118). ClinVar contains an entry for this variant (Variation ID: 54140). For these reasons, this variant has been classified as Pathogenic.

Quest Diagnostics Nichols Institute San Juan Capistrano
Classification: Pathogenic. Last evaluated: 2025-09-19. Review status: criteria provided, single submitter. Criteria: Quest Diagnostics criteria. Collection method: clinical testing. Allele origin: unknown. Not counted in ClinVar's aggregate classification.
Comment: The BRCA1 c.1127del (p.Asn376Ilefs*18) variant alters the translational reading frame of the BRCA1 mRNA and causes the premature termination of BRCA1 protein synthesis. This variant has been reported in the published literature in multiple individuals and families with breast and/or ovarian cancer (PMIDs: 31409081 (2019), 30257646 (2018), 29053726 (2017), 21559243 (2011), 16168118 (2005), 12181777 (2002), 10502781 (1999)). This variant has not been reported in large, multi-ethnic general populations (Genome Aggregation Database). Based on the available information, this variant is classified as pathogenic.

Ambry Genetics
Classification: Pathogenic for Hereditary cancer-predisposing syndrome. Last evaluated: 2025-04-09. Review status: criteria provided, single submitter. Criteria: Ambry Variant Classification Scheme 2023. Collection method: clinical testing. Allele origin: germline. Not counted in ClinVar's aggregate classification.
Comment: The c.1127delA pathogenic mutation, located in coding exon 9 of the BRCA1 gene, results from a deletion of one nucleotide at nucleotide position 1127, causing a translational frameshift with a predicted alternate stop codon (p.N376Ifs*18). This mutation has been described in multiple hereditary breast and ovarian cancer families (Arnold N et al. Hum. Mutat. 1999;14:333-9; Pohlreich P et al. Breast Cancer Res. 2005; 7:R728-36). This variant is considered to be rare based on population cohorts in the Genome Aggregation Database (gnomAD). In addition to the clinical data presented in the literature, this alteration is expected to result in loss of function by premature protein truncation or nonsense-mediated mRNA decay. As such, this alteration is interpreted as a disease-causing mutation.

Molecular Pathology, Peter Maccallum Cancer Centre
Classification: Pathogenic for Breast-ovarian cancer, familial, susceptibility to, 1. Last evaluated: 2024-12-16. Review status: criteria provided, single submitter. Criteria: ACMG Guidelines, 2015. Collection method: clinical testing. Allele origin: germline. Inheritance: Autosomal dominant inheritance. Not counted in ClinVar's aggregate classification.

Institute of Human Genetics, FAU Erlangen, Friedrich-Alexander-Universität Erlangen-Nürnberg
Classification: Pathogenic. Last evaluated: 2023-09-19. Review status: criteria provided, single submitter. Criteria: Hauer et al. (Genet Med. 2018). Collection method: clinical testing. Allele origin: germline. Inheritance: Unknown mechanism. Affected: yes. Observed: 1 variant allele. Not counted in ClinVar's aggregate classification.
Comment: This variant has been identified by standard clinical testing. Selected ACMG criteria: Pathogenic (I):PP5;PM2;PVS1

Baylor Genetics
Classification: Pathogenic for Breast-ovarian cancer, familial, susceptibility to, 1. Last evaluated: 2022-12-28. Review status: criteria provided, single submitter. Criteria: ACMG Guidelines, 2015. Collection method: clinical testing. Allele origin: unknown. Not counted in ClinVar's aggregate classification.

Revvity Omics, Revvity
Classification: Pathogenic. Last evaluated: 2022-02-22. Review status: criteria provided, single submitter. Criteria: ACMG Guidelines, 2015. Collection method: clinical testing. Allele origin: germline. Not counted in ClinVar's aggregate classification.

Institute of Medical Genetics and Applied Genomics, University Hospital Tübingen
Classification: Pathogenic. Last evaluated: 2020-10-23. Review status: criteria provided, single submitter. Criteria: ACMG Guidelines, 2015. Collection method: clinical testing. Allele origin: germline. Inheritance: Unknown mechanism. Affected: yes. Not counted in ClinVar's aggregate classification.

ARUP Laboratories, Molecular Genetics and Genomics, ARUP Laboratories
Classification: Pathogenic. Last evaluated: 2019-03-13. Review status: criteria provided, single submitter. Criteria: ARUP Molecular Germline Variant Investigation Process. Collection method: clinical testing. Allele origin: germline. Not counted in ClinVar's aggregate classification.
Comment: The BRCA1 c.1127delA; p.Asn376fs variant (rs80357821), also known as 1246delA using traditional nomenclature, is reported in the literature in several families affected with breast and/or ovarian cancer (Arnold 1999, Pohlreich 2005). This variant is absent from general population databases (Exome Variant Server, Genome Aggregation Database), indicating it is not a common polymorphism, and it is reported as pathogenic by multiple laboratories and an expert panel in ClinVar (Variation ID: 54140). This variant causes a frameshift by deleting a single nucleotide, so it is predicted to result in a truncated protein or mRNA subject to nonsense-mediated decay. Based on available information, this variant is considered to be pathogenic. References: Arnold N et al. A highly sensitive, fast, and economical technique for mutation analysis in hereditary breast and ovarian cancers. Hum Mutat. 1999;14(4):333-9. Pohlreich P et al. High proportion of recurrent germline mutations in the BRCA1 gene in breast and ovarian cancer patients from the Prague area. Breast Cancer Res. 2005;7(5):R728-36.

Institute of Human Genetics, University of Leipzig Medical Center
Classification: Pathogenic for Breast-ovarian cancer, familial, susceptibility to, 1. Last evaluated: 2019-01-01. Review status: criteria provided, single submitter. Criteria: ACMG Guidelines, 2015. Collection method: clinical testing. Allele origin: unknown. Affected: yes. Not counted in ClinVar's aggregate classification.

Consortium of Investigators of Modifiers of BRCA1/2 (CIMBA), c/o University of Cambridge
Classification: Pathogenic for Breast-ovarian cancer, familial, susceptibility to, 1. Last evaluated: 2015-10-02. Review status: criteria provided, single submitter. Criteria: CIMBA Mutation Classification guidelines May 2016. Collection method: clinical testing. Allele origin: germline. Not counted in ClinVar's aggregate classification.

CZECANCA consortium
Classification: Pathogenic for Breast and/or ovarian cancer. Last evaluated: 2019-06-11. Review status: no assertion criteria provided. Collection method: clinical testing. Allele origin: germline. Affected: yes. Observed: 2 variant alleles. Not counted in ClinVar's aggregate classification.

German Consortium for Hereditary Breast and Ovarian Cancer, University Hospital Cologne
Classification: Pathogenic for Ovarian neoplasm. Last evaluated: 2018-12-01. Review status: no assertion criteria provided. Collection method: research. Allele origin: germline. Affected: yes. Not counted in ClinVar's aggregate classification.

Breast Cancer Information Core (BIC) (BRCA1)
Classification: Pathogenic for Breast-ovarian cancer, familial 1. Last evaluated: 2004-02-20. Review status: no assertion criteria provided. Collection method: clinical testing. Allele origin: germline. Affected: yes. Observed: 4 variant alleles. Not counted in ClinVar's aggregate classification.

Literature cited by the submitters: PubMed 11157798 (cited by Variantyx, Inc.); PubMed 20104584 (cited by Variantyx, Inc. and Labcorp Genetics (formerly Invitae), Labcorp); PubMed 10502781 (cited by 3 submitters); PubMed 16168118 (cited by 4 submitters); PubMed 28888541 (cited by Variantyx, Inc.); PubMed 29053726 (cited by Variantyx, Inc. and Quest Diagnostics Nichols Institute San Juan Capistrano); PubMed 30257646 (cited by Variantyx, Inc. and Quest Diagnostics Nichols Institute San Juan Capistrano); PubMed 34101484 (cited by Variantyx, Inc.); PubMed 31528241 (cited by Variantyx, Inc.); PubMed 12181777 (cited by Labcorp Genetics (formerly Invitae), Labcorp and Quest Diagnostics Nichols Institute San Juan Capistrano); PubMed 31409081 (cited by Quest Diagnostics Nichols Institute San Juan Capistrano); PubMed 21559243 (cited by Quest Diagnostics Nichols Institute San Juan Capistrano); PubMed 26295337 (cited by Quest Diagnostics Nichols Institute San Juan Capistrano); PubMed 32295079 (cited by CZECANCA consortium).